The following is an entry in ClinVar:

NM_018063.5(HELLS):c.112G>C (p.Glu38Gln)

Gene: HELLS (helicase, lymphoid specific; plus strand). Cytogenetic location: 10q23.33.
Variant type: single nucleotide variant.
Coding change: c.112G>C on transcript NM_018063.5 (MANE Select); coding-DNA position 112, G replaced by C.
Protein change: p.Glu38Gln; replaces glutamic acid 38 with glutamine.
Molecular consequence: missense variant. On other transcripts: 5 prime UTR variant (4).
Genome position (GRCh38, 1-based): chr10:94,546,457, G>C. VCF-style: chr10-94546457-G-C. GRCh37 (hg19) VCF-style: chr10-96306214-G-C.
Other names: c.112G>C, p.Glu38Gln (NM_001289067.2, NM_001289069.2, NM_001289070.2 and 1 more transcripts); c.64G>C, p.Glu22Gln (NM_001289068.2); c.-305G>C (NM_001289071.2); c.-238G>C (NM_001289073.2); c.-891G>C (NM_001289074.2); c.-910G>C (NM_001289075.2); short protein forms E22Q, E38Q.
Identifiers: ClinVar variation 2853899 (VCV002853899.3), dbSNP rs2493023527, ClinGen allele CA377661249.

ClinVar aggregate classification (germline): Uncertain significance (1 of 4 stars; one submission).

Submission:

Labcorp Genetics (formerly Invitae), Labcorp
Classification: Uncertain significance. Last evaluated: 2023-04-09. Review status: criteria provided, single submitter. Criteria: Invitae Variant Classification Sherloc (09022015). Collection method: clinical testing. Allele origin: germline.
Comment: In summary, the available evidence is currently insufficient to determine the role of this variant in disease. Therefore, it has been classified as a Variant of Uncertain Significance. An algorithm developed to predict the effect of missense changes on protein structure and function (PolyPhen-2) suggests that this variant is likely to be tolerated. This variant has not been reported in the literature in individuals affected with HELLS-related conditions. This variant is not present in population databases (gnomAD no frequency). This sequence change replaces glutamic acid, which is acidic and polar, with glutamine, which is neutral and polar, at codon 38 of the HELLS protein (p.Glu38Gln).